The following is an entry in ClinVar:

ClinVar aggregate classification (germline): Uncertain significance (0 of 4 stars; one submission).

Conditions:
TENM4-related disorder. Also called: TENM4-related condition.

Allele frequency attached by ClinVar (database versions not stated): gnomAD exomes below 0.00001.
gnomAD v4.1: 1 of 1,614,020 alleles (0.000062%); highest among the groups gnomAD compares: East Asian, 0.0022%; no homozygotes.

Submission:

PreventionGenetics, part of Exact Sciences
Classification: Uncertain significance for TENM4-related condition. Last evaluated: 2023-11-27. Review status: no assertion criteria provided. Collection method: clinical testing. Allele origin: germline.
Comment: The TENM4 c.5732G>T variant is predicted to result in the amino acid substitution p.Gly1911Val. To our knowledge, this variant has not been reported in the literature. This variant is reported in 0.0056% of alleles in individuals of East Asian descent in gnomAD. At this time, the clinical significance of this variant is uncertain due to the absence of conclusive functional and genetic evidence.

NM_001098816.3(TENM4):c.5732G>T (p.Gly1911Val)

Gene: TENM4 (teneurin transmembrane protein 4; minus strand). Cytogenetic location: 11q14.1.
Variant type: single nucleotide variant.
Coding change: c.5732G>T on transcript NM_001098816.3 (MANE Select); coding-DNA position 5732, G replaced by T.
Protein change: p.Gly1911Val; replaces glycine 1911 with valine.
Molecular consequence: missense variant.
Genome position (GRCh38, 1-based): chr11:78,672,094, C>A on the plus strand (G>T on the coding strand, the complement: TENM4 is on the minus strand). VCF-style: chr11-78672094-C-A. GRCh37 (hg19) VCF-style: chr11-78383139-C-A.
Other names: short protein forms G1911V.
Identifiers: ClinVar variation 3030525 (VCV003030525.2), dbSNP rs1275666406, ClinGen allele CA382135238.